The following is an entry in ClinVar:

ClinVar aggregate classification (germline): Pathogenic (1 of 4 stars; one submission).

Conditions:
Multiple mitochondrial dysfunctions syndrome 3 (MMDS3). Identifiers: Orphanet 363424, MedGen C3809165, MONDO:0014132, OMIM 615330.
Hereditary spastic paraplegia 74. Also called: Spastic paraplegia 74, autosomal recessive. Identifiers: Orphanet 468661, MedGen C5568837, MONDO:0014644, OMIM 616451.

Allele frequency attached by ClinVar (database versions not stated): gnomAD exomes below 0.00001; TOPMed 0.00001.

Submission:

Labcorp Genetics (formerly Invitae), Labcorp
Classification: Pathogenic for Multiple mitochondrial dysfunctions syndrome 3; Hereditary spastic paraplegia 74. Last evaluated: 2020-08-07. Review status: criteria provided, single submitter. Criteria: Invitae Variant Classification Sherloc (09022015). Collection method: clinical testing. Allele origin: germline.
Comment: The frequency data for this variant in the population databases is considered unreliable, as metrics indicate insufficient coverage at this position in the ExAC database. For these reasons, this variant has been classified as Pathogenic. Loss-of-function variants in IBA57 are known to be pathogenic (PMID: 27785568, 28671726). This variant has not been reported in the literature in individuals with IBA57-related conditions. This sequence change creates a premature translational stop signal (p.Tyr96Serfs*21) in the IBA57 gene. It is expected to result in an absent or disrupted protein product.

Literature cited by the submitters: PubMed 27785568; PubMed 28671726.

NM_001010867.4(IBA57):c.265_286dup (p.Tyr96fs)

Gene: IBA57 (iron-sulfur cluster assembly factor IBA57; plus strand). Cytogenetic location: 1q42.13.
Variant type: Duplication.
Coding change: c.265_286dup on transcript NM_001010867.4 (MANE Select); coding-DNA positions 265 to 286, 22 bases duplicated (CCGCCTGCTGCGCGCGCGGGCT).
Protein change: p.Tyr96fs; shifts the reading frame from tyrosine 96.
Molecular consequence: frameshift variant.
Genome position (GRCh38, 1-based): chr1:228,166,081-228,166,102, CCGCCTGCTGCGCGCGCGGGCT duplicated. VCF-style (leftmost placement, unchanged base first): chr1-228166080-C-CCCGCCTGCTGCGCGCGCGGGCT. GRCh37 (hg19) VCF-style: chr1-228353781-C-CCCGCCTGCTGCGCGCGCGGGCT.
Other names: short protein forms Y96fs.
Identifiers: ClinVar variation 1073739 (VCV001073739.7), dbSNP rs2034846986, ClinGen allele CA1225630157.
Genomic context (GRCh38, chr1:228,166,080, plus strand): 5'-CTTCCTGCTAGGGCTGCTGACCAATGAACTGCCGCTTCCGAGTCCTGCGGCCGCGGGGGC[C>CCCGCCTGCTGCGCGCGCGGGCT]CCGCCTGCTGCGCGCGCGGGCTACGCCCACTTCCTGAACGTGCAGGGCCGGACGCTCTAT-3'